The following is an entry in ClinVar:

NM_000535.7(PMS2):c.1485G>A (p.Gly495=)

Gene: PMS2 (PMS1 homolog 2, mismatch repair system component; minus strand). Cytogenetic location: 7p22.1.
Variant type: single nucleotide variant.
Coding change: c.1485G>A on transcript NM_000535.7 (MANE Select); coding-DNA position 1485, G replaced by A.
Protein change: p.Gly495=; no amino-acid change (glycine 495 retained).
Molecular consequence: synonymous variant. On other transcripts: non-coding transcript variant (1).
Genome position (GRCh38, 1-based): chr7:5,987,280, C>T on the plus strand (G>A on the coding strand, the complement: PMS2 is on the minus strand). VCF-style: chr7-5987280-C-T. GRCh37 (hg19) VCF-style: chr7-6026911-C-T.
Other names: c.1080G>A, p.Gly360= (NM_001322003.2, NM_001322004.2, NM_001322005.2 and 1 more transcripts); c.1329G>A, p.Gly443= (NM_001322006.2); c.1167G>A, p.Gly389= (NM_001322007.2, NM_001322008.2); c.924G>A, p.Gly308= (NM_001322010.2); c.552G>A, p.Gly184= (NM_001322011.2, NM_001322012.2); c.912G>A, p.Gly304= (NM_001322013.2); c.1485G>A, p.Gly495= (NM_001322014.2); c.1176G>A, p.Gly392= (NM_001322015.2).
Identifiers: ClinVar variation 484248 (VCV000484248.19), dbSNP rs143865305, ClinGen allele CA043887.
Genomic context (GRCh38, chr7:5,987,280, plus strand): 5'-GCAGTGACTGCCCGTGTCTGGGATGCTGAACCCCTCAGAATCCACGGAAGTGCTGCCGTG[C>T]CCCGAGTCCTTCTCCACCTCCGCTCTGTCCGTAGGGTCACTGGGTCCGTGACTGGAACTC-3'
Protein context (NP_000526.2, residues 485-505): TDRAEVEKDS[Gly495=]HGSTSVDSEG

ClinVar aggregate classification (germline): Benign/Likely benign. Review status: criteria provided, multiple submitters, no conflicts (2 of 4 stars). 4 submissions from 4 submitters: Benign (1); Likely benign (3). Last evaluated 2026-01-21.

Conditions:
Lynch syndrome 4 (LYNCH4). Also called: Colorectal cancer, hereditary nonpolyposis, type 4; Hereditary non-polyposis colorectal cancer, type 4. Identifiers: Orphanet 144, MedGen C1838333, MONDO:0013699, OMIM 614337. Disease mechanism: loss of function.
Hereditary cancer-predisposing syndrome. Also called: Neoplastic Syndromes, Hereditary; Tumor predisposition; Hereditary Cancer Syndrome; Hereditary neoplastic syndrome. Identifiers: Orphanet 140162, MedGen C0027672, MeSH D009386, MONDO:0015356.
Hereditary nonpolyposis colorectal neoplasms. Identifiers: MedGen C0009405, MeSH D003123.

Allele frequency attached by ClinVar (database versions not stated): gnomAD exomes below 0.00001; ExAC 0.00001; gnomAD 0.00003; TOPMed 0.00003; ESP Exome Variant Server 0.00008.
gnomAD v4.1: 5 of 1,613,992 alleles (0.00031%); highest among the groups gnomAD compares: African/African-American, 0.0067%; no homozygotes.

Submissions (4):

Labcorp Genetics (formerly Invitae), Labcorp
Classification: Likely benign for Hereditary nonpolyposis colorectal neoplasms. Last evaluated: 2026-01-21. Review status: criteria provided, single submitter. Criteria: Invitae Variant Classification Sherloc (09022015). Collection method: clinical testing. Allele origin: germline.

Myriad Genetics, Inc.
Classification: Benign for Lynch syndrome 4. Last evaluated: 2025-01-30. Review status: criteria provided, single submitter. Criteria: Myriad Autosomal Dominant, Autosomal Recessive and X-Linked Classification Criteria (2023). Collection method: clinical testing. Allele origin: unknown.
Comment: This variant is considered benign. This variant is a silent/synonymous amino acid change and it is not expected to impact splicing.

Color Diagnostics, LLC DBA Color Health
Classification: Likely benign for Hereditary cancer-predisposing syndrome. Last evaluated: 2016-09-01. Review status: criteria provided, single submitter. Criteria: ACMG Guidelines, 2015. Collection method: clinical testing. Allele origin: germline.

Ambry Genetics
Classification: Likely benign for Hereditary cancer-predisposing syndrome. Last evaluated: 2016-01-18. Review status: criteria provided, single submitter. Criteria: Ambry Variant Classification Scheme 2023. Collection method: clinical testing. Allele origin: germline.